The following is an entry in ClinVar:

ClinVar aggregate classification (germline): Likely benign (1 of 4 stars; one submission).

Allele frequency attached by ClinVar (database versions not stated): gnomAD exomes 0.00001 and 0.00009; gnomAD 0.00002; 1000 Genomes Project 0.00160.
gnomAD v4.1: 8 of 575,926 alleles (0.0014%); highest among the groups gnomAD compares: East Asian, 0.015%; no homozygotes.

Submission:

GeneDx
Classification: Likely benign. Last evaluated: 2017-09-05. Review status: criteria provided, single submitter. Criteria: GeneDx Variant Classification (06012015). Collection method: clinical testing. Allele origin: germline. Affected: yes.
Comment: This variant is considered likely benign or benign based on one or more of the following criteria: it is a conservative change, it occurs at a poorly conserved position in the protein, it is predicted to be benign by multiple in silico algorithms, and/or has population frequency not consistent with disease.

NM_133433.4(NIPBL):c.5863-16A>G

Gene: NIPBL (NIPBL cohesin loading factor; plus strand). Cytogenetic location: 5p13.2.
Variant type: single nucleotide variant.
Coding change: c.5863-16A>G on transcript NM_133433.4 (MANE Select); 16 bases into the intron before coding-DNA position 5863, A replaced by G.
Molecular consequence: intron variant.
Genome position (GRCh38, 1-based): chr5:37,036,363, A>G. VCF-style: chr5-37036363-A-G. GRCh37 (hg19) VCF-style: chr5-37036465-A-G.
Other names: c.5863-16A>G (NM_015384.5).
Identifiers: ClinVar variation 511922 (VCV000511922.1), dbSNP rs578098911, ClinGen allele CA117036829.